The following is an entry in ClinVar:

ClinVar aggregate classification (germline): Uncertain significance (1 of 4 stars; one submission).

Submission:

GeneDx
Classification: Uncertain significance. Last evaluated: 2023-03-30. Review status: criteria provided, single submitter. Criteria: GeneDx Variant Classification Process June 2021. Collection method: clinical testing. Allele origin: germline. Affected: yes.
Comment: In silico analysis supports that this missense variant does not alter protein structure/function; Not observed at significant frequency in large population cohorts (gnomAD); Has not been previously published as pathogenic or benign to our knowledge

NM_005660.3(SLC35A2):c.1163+142C>A

Gene: SLC35A2 (solute carrier family 35 member A2; minus strand). Cytogenetic location: Xp11.23.
Variant type: single nucleotide variant.
Coding change: c.1163+142C>A on transcript NM_005660.3 (MANE Select); 142 bases into the intron after coding-DNA position 1163, C replaced by A.
Molecular consequence: intron variant. On other transcripts: missense variant (2), 3 prime UTR variant (4).
Genome position (GRCh38, 1-based): chrX:48,904,604, G>T on the plus strand (C>A on the coding strand, the complement: SLC35A2 is on the minus strand). VCF-style: chrX-48904604-G-T. GRCh37 (hg19) VCF-style: chrX-48761881-G-T.
Other names: c.715C>A, p.Leu239Ile (NM_001032289.3); c.*123C>A (NM_001042498.3, NM_001282649.2, NM_001282650.2 and 1 more transcripts); c.643C>A, p.Leu215Ile (NM_001282648.2); c.573+142C>A (NM_001282647.2); short protein forms L215I, L239I.
Identifiers: ClinVar variation 2582197 (VCV002582197.1), dbSNP rs2519641159, ClinGen allele CA412892837.